The following is an entry in ClinVar:

NM_003632.3(CNTNAP1):c.1806T>C (p.Pro602=)

Gene: CNTNAP1 (contactin associated protein 1; plus strand). Cytogenetic location: 17q21.2.
Variant type: single nucleotide variant.
Coding change: c.1806T>C on transcript NM_003632.3 (MANE Select); coding-DNA position 1806, T replaced by C.
Protein change: p.Pro602=; no amino-acid change (proline 602 retained).
Molecular consequence: synonymous variant.
Genome position (GRCh38, 1-based): chr17:42,690,158, T>C. VCF-style: chr17-42690158-T-C. GRCh37 (hg19) VCF-style: chr17-40842176-T-C.
Other names: p.Pro602=.
Identifiers: ClinVar variation 4684215 (VCV004684215.1).

ClinVar aggregate classification (germline): Likely benign (1 of 4 stars; one submission).

gnomAD v4.1: 24 of 1,613,952 alleles (0.0015%); highest among the groups gnomAD compares: Non-Finnish European, 0.0019%; no homozygotes.

Submission:

Mayo Clinic Laboratories, Mayo Clinic
Classification: Likely benign. Last evaluated: 2025-07-14. Review status: criteria provided, single submitter. Criteria: ACMG Guidelines, 2015. Collection method: clinical testing. Allele origin: germline. Observed: 2 variant alleles.
Comment: BP4, BP7